The following is an entry in ClinVar:

ClinVar aggregate classification (germline): Uncertain significance. Review status: criteria provided, multiple submitters, no conflicts (2 of 4 stars). 2 submissions from 2 submitters: Uncertain significance (2). Last evaluated 2025-03-09.

Allele frequency attached by ClinVar (database versions not stated): gnomAD exomes below 0.00001; TOPMed below 0.00001; ExAC 0.00001.
gnomAD v4.1: 6 of 1,612,860 alleles (0.00037%); highest among the groups gnomAD compares: East Asian, 0.0022%; no homozygotes.

Submissions (2):

Ambry Genetics
Classification: Uncertain significance. Last evaluated: 2025-03-09. Review status: criteria provided, single submitter. Criteria: Ambry Variant Classification Scheme 2023. Collection method: clinical testing. Allele origin: germline.
Comment: The p.I306V variant (also known as c.916A>G), located in coding exon 9 of the SRP72 gene, results from an A to G substitution at nucleotide position 916. The isoleucine at codon 306 is replaced by valine, an amino acid with highly similar properties. This amino acid position is conserved. In addition, the in silico prediction for this alteration is inconclusive. Based on the available evidence, the clinical significance of this variant remains unclear.

Labcorp Genetics (formerly Invitae), Labcorp
Classification: Uncertain significance. Last evaluated: 2021-05-31. Review status: criteria provided, single submitter. Criteria: Invitae Variant Classification Sherloc (09022015). Collection method: clinical testing. Allele origin: germline.
Comment: In summary, the available evidence is currently insufficient to determine the role of this variant in disease. Therefore, it has been classified as a Variant of Uncertain Significance. This variant is present in population databases (rs761912957, ExAC 0.01%). This sequence change replaces isoleucine with valine at codon 306 of the SRP72 protein (p.Ile306Val). The isoleucine residue is highly conserved and there is a small physicochemical difference between isoleucine and valine. This variant has not been reported in the literature in individuals with SRP72-related conditions. Algorithms developed to predict the effect of missense changes on protein structure and function are either unavailable or do not agree on the potential impact of this missense change (SIFT: "Tolerated"; PolyPhen-2: "Possibly Damaging"; Align-GVGD: "Class C15").

NM_006947.4(SRP72):c.916A>G (p.Ile306Val)

Gene: SRP72 (signal recognition particle 72; plus strand). Cytogenetic location: 4q12.
Variant type: single nucleotide variant.
Coding change: c.916A>G on transcript NM_006947.4 (MANE Select); coding-DNA position 916, A replaced by G.
Protein change: p.Ile306Val; replaces isoleucine 306 with valine.
Molecular consequence: missense variant. On other transcripts: non-coding transcript variant (1).
Genome position (GRCh38, 1-based): chr4:56,483,229, A>G. VCF-style: chr4-56483229-A-G. GRCh37 (hg19) VCF-style: chr4-57349395-A-G.
Other names: c.916A>G (NM_006947.3); c.733A>G, p.Ile245Val (NM_001267722.2); short protein forms I245V, I306V.
Identifiers: ClinVar variation 1505567 (VCV001505567.9), dbSNP rs761912957, ClinGen allele CA2931215.